The following is an entry in ClinVar:

NC_000016.9:g.(?_53720325)_(53721897_?)del

Gene: RPGRIP1L (RPGRIP1 like; minus strand). Cytogenetic location: 16q12.2.
Variant type: Deletion.
Identifiers: ClinVar variation 3243372 (VCV003243372.1).

ClinVar aggregate classification (germline): Pathogenic (1 of 4 stars; one submission).

Conditions:
Joubert syndrome. Also called: CEREBELLOPARENCHYMAL DISORDER IV; JOUBERT-BOLTSHAUSER SYNDROME; Familial aplasia of the vermis. Identifiers: Orphanet 475, MedGen C5979921, MONDO:0018772.
Meckel-Gruber syndrome. Also called: DYSENCEPHALIA SPLANCHNOCYSTICA; GRUBER SYNDROME; Dysencephalia splachnocystica. Identifiers: Orphanet 564, MedGen C0265215, MONDO:0018921.

Submission:

Labcorp Genetics (formerly Invitae), Labcorp
Classification: Pathogenic for Joubert syndrome; Meckel-Gruber syndrome. Last evaluated: 2023-08-08. Review status: criteria provided, single submitter. Criteria: Invitae Variant Classification Sherloc (09022015). Collection method: clinical testing. Allele origin: unknown.
Comment: This variant is a gross deletion of the genomic region encompassing exon(s) 5-6 of the RPGRIP1L gene. This deletion is out-of-frame, and is expected to create a premature termination codon and result in an absent or disrupted protein product. Loss-of-function variants in RPGRIP1L are known to be pathogenic (PMID: 17558409). For these reasons, this variant has been classified as Pathogenic. This variant has not been reported in the literature in individuals affected with RPGRIP1L-related conditions.

Literature cited by the submitters: PubMed 17558409.